The following is an entry in ClinVar:

NM_024301.5(FKRP):c.13C>T (p.Arg5Cys)

Gene: FKRP (fukutin related protein; plus strand). Cytogenetic location: 19q13.32.
Variant type: single nucleotide variant.
Coding change: c.13C>T on transcript NM_024301.5 (MANE Select); coding-DNA position 13, C replaced by T.
Protein change: p.Arg5Cys; replaces arginine 5 with cysteine.
Molecular consequence: missense variant.
Genome position (GRCh38, 1-based): chr19:46,755,463, C>T. VCF-style: chr19-46755463-C-T. GRCh37 (hg19) VCF-style: chr19-47258720-C-T.
Other names: c.13C>T, p.Arg5Cys (NM_001039885.3); short protein forms R5C.
Identifiers: ClinVar variation 408719 (VCV000408719.2), dbSNP rs1060502108, ClinGen allele CA16616284.

ClinVar aggregate classification (germline): Uncertain significance. Review status: criteria provided, single submitter (1 of 4 stars). 2 submissions from 2 submitters: Uncertain significance (1). 1 of the submissions does not count toward it. Last evaluated 2016-11-28.

Conditions:
Walker-Warburg congenital muscular dystrophy. Also called: Muscular dystrophy-dystroglycanopathy, type A; Walker-Warburg syndrome. Identifiers: Orphanet 899, MedGen C0265221, MONDO:0000171.
Autosomal recessive limb-girdle muscular dystrophy type 2I. Also called: MUSCULAR DYSTROPHY-DYSTROGLYCANOPATHY (LIMB-GIRDLE), TYPE C, 5; MUSCULAR DYSTROPHY-DYSTROGLYCANOPATHY, LIMB-GIRDLE, FRKP-RELATED; MUSCULAR DYSTROPHY, LIMB-GIRDLE, TYPE 2I. Identifiers: Orphanet 34515, MedGen C1846672, MONDO:0011787, OMIM 607155.

Submissions (2):

Labcorp Genetics (formerly Invitae), Labcorp
Classification: Uncertain significance for Walker-Warburg congenital muscular dystrophy. Last evaluated: 2016-11-28. Review status: criteria provided, single submitter. Criteria: Invitae Variant Classification Sherloc (09022015). Collection method: clinical testing. Allele origin: germline.
Comment: This sequence change replaces arginine with cysteine at codon 5 of the FKRP protein (p.Arg5Cys). The arginine residue is moderately conserved and there is a large physicochemical difference between arginine and cysteine. This variant is not present in population databases (ExAC no frequency) and has not been reported in the literature in individuals with an FKRP-related disease. Algorithms developed to predict the effect of missense changes on protein structure and function do not agree on the potential impact of this missense change (SIFT: "Deleterious"; PolyPhen-2: "Possibly Damaging"; Align-GVGD: "Class C0"). In summary, this variant is a novel missense change with uncertain impact on protein function. It has been classified as a Variant of Uncertain Significance.

Natera, Inc.
Classification: Uncertain significance for Limb-girdle muscular dystrophy type 2I. Last evaluated: 2021-01-13. Review status: no assertion criteria provided. Collection method: clinical testing. Allele origin: germline. Not counted in ClinVar's aggregate classification.